The following is an entry in ClinVar:

ClinVar aggregate classification (germline): Uncertain significance (1 of 4 stars; one submission).

Allele frequency attached by ClinVar (database versions not stated): gnomAD exomes 0.00001 and 0.00002; ExAC 0.00002; gnomAD 0.00004; TOPMed 0.00008.
gnomAD v4.1: 15 of 1,612,924 alleles (0.00093%); highest among the groups gnomAD compares: African/African-American, 0.017%; no homozygotes.

Submission:

Labcorp Genetics (formerly Invitae), Labcorp
Classification: Uncertain significance. Last evaluated: 2025-11-23. Review status: criteria provided, single submitter. Criteria: Invitae Variant Classification Sherloc (09022015). Collection method: clinical testing. Allele origin: germline.
Comment: This sequence change replaces cysteine, which is neutral and slightly polar, with arginine, which is basic and polar, at codon 33 of the GFM1 protein (p.Cys33Arg). This variant is present in population databases (rs762132920, gnomAD 0.03%). This variant has not been reported in the literature in individuals affected with GFM1-related conditions. ClinVar contains an entry for this variant (Variation ID: 1439467). An algorithm developed to predict the effect of missense changes on protein structure and function outputs the following: PolyPhen-2: "Benign". The arginine amino acid residue is found in multiple mammalian species, which suggests that this missense change does not adversely affect protein function. In summary, the available evidence is currently insufficient to determine the role of this variant in disease. Therefore, it has been classified as a Variant of Uncertain Significance.

NM_024996.7(GFM1):c.97T>C (p.Cys33Arg)

Gene: GFM1 (G elongation factor mitochondrial 1; plus strand). Cytogenetic location: 3q25.32.
Variant type: single nucleotide variant.
Coding change: c.97T>C on transcript NM_024996.7 (MANE Select); coding-DNA position 97, T replaced by C.
Protein change: p.Cys33Arg; replaces cysteine 33 with arginine.
Molecular consequence: missense variant. On other transcripts: 5 prime UTR variant (4), non-coding transcript variant (4).
Genome position (GRCh38, 1-based): chr3:158,645,644, T>C. VCF-style: chr3-158645644-T-C. GRCh37 (hg19) VCF-style: chr3-158363433-T-C.
Other names: c.97T>C, p.Cys33Arg (NM_001308164.2, NM_001308166.2, NM_001374355.1 and 2 more transcripts); c.-129T>C (NM_001374357.1); c.-133T>C (NM_001374359.1, NM_001374360.1, NM_001374361.1); short protein forms C33R.
Identifiers: ClinVar variation 1439467 (VCV001439467.4), dbSNP rs762132920, ClinGen allele CA2682223.